The following is an entry in ClinVar:

ClinVar aggregate classification (germline): Uncertain significance (1 of 4 stars; one submission).

Allele frequency attached by ClinVar (database versions not stated): gnomAD 0.00003; gnomAD exomes 0.00004; ExAC 0.00006; 1000 Genomes Project 30x 0.00016; 1000 Genomes Project 0.00020.
gnomAD v4.1: 58 of 1,614,182 alleles (0.0036%); highest among the groups gnomAD compares: Middle Eastern, 0.033%; 1 homozygote.

Submission:

Labcorp Genetics (formerly Invitae), Labcorp
Classification: Uncertain significance. Last evaluated: 2023-04-03. Review status: criteria provided, single submitter. Criteria: Invitae Variant Classification Sherloc (09022015). Collection method: clinical testing. Allele origin: germline.
Comment: This sequence change replaces arginine, which is basic and polar, with cysteine, which is neutral and slightly polar, at codon 409 of the ACOX2 protein (p.Arg409Cys). This variant is present in population databases (rs530318063, gnomAD 0.03%). This variant has not been reported in the literature in individuals affected with ACOX2-related conditions. Advanced modeling of protein sequence and biophysical properties (such as structural, functional, and spatial information, amino acid conservation, physicochemical variation, residue mobility, and thermodynamic stability) performed at Invitae indicates that this missense variant is expected to disrupt ACOX2 protein function. In summary, the available evidence is currently insufficient to determine the role of this variant in disease. Therefore, it has been classified as a Variant of Uncertain Significance.

NM_003500.4(ACOX2):c.1225C>T (p.Arg409Cys)

Gene: ACOX2 (acyl-CoA oxidase 2; minus strand). Cytogenetic location: 3p14.3.
Variant type: single nucleotide variant.
Coding change: c.1225C>T on transcript NM_003500.4 (MANE Select); coding-DNA position 1225, C replaced by T.
Protein change: p.Arg409Cys; replaces arginine 409 with cysteine.
Molecular consequence: missense variant.
Genome position (GRCh38, 1-based): chr3:58,526,587, G>A on the plus strand (C>T on the coding strand, the complement: ACOX2 is on the minus strand). VCF-style: chr3-58526587-G-A. GRCh37 (hg19) VCF-style: chr3-58512314-G-A.
Other names: short protein forms R409C.
Identifiers: ClinVar variation 2905988 (VCV002905988.3), dbSNP rs530318063, ClinGen allele CA2472124.